The following is an entry in ClinVar:

NM_001015880.2(PAPSS2):c.1226C>T (p.Ala409Val)

Gene: PAPSS2 (3'-phosphoadenosine 5'-phosphosulfate synthase 2; plus strand). Cytogenetic location: 10q23.31.
Variant type: single nucleotide variant.
Coding change: c.1226C>T on transcript NM_001015880.2 (MANE Select); coding-DNA position 1226, C replaced by T.
Protein change: p.Ala409Val; replaces alanine 409 with valine.
Molecular consequence: missense variant.
Genome position (GRCh38, 1-based): chr10:87,743,376, C>T. VCF-style: chr10-87743376-C-T. GRCh37 (hg19) VCF-style: chr10-89503133-C-T.
Other names: c.1211C>T, p.Ala404Val (NM_004670.4); short protein forms A404V, A409V.
Identifiers: ClinVar variation 4979886 (VCV004979886.1).

ClinVar aggregate classification (germline): Uncertain significance (1 of 4 stars; one submission).

Conditions:
PAPSS2-related disorder. Also called: PAPSS2-related condition.

gnomAD v4.1: 107 of 1,613,534 alleles (0.0066%); highest among the groups gnomAD compares: South Asian, 0.098%; no homozygotes.

Submission:

PreventionGenetics, part of Exact Sciences
Classification: Uncertain significance for PAPSS2-related condition. Last evaluated: 2024-11-20. Review status: criteria provided, single submitter. Criteria: ACMG Guidelines, 2015. Collection method: clinical testing. Allele origin: germline.
Comment: The PAPSS2 c.1211C>T variant is predicted to result in the amino acid substitution p.Ala404Val. To our knowledge, this variant has not been reported in the literature. This variant is reported in 0.15% of alleles in individuals of South Asian descent in gnomAD. Although we suspect that this variant may be benign, at this time, the clinical significance of this variant is uncertain due to the absence of conclusive functional and genetic evidence.